The following is an entry in ClinVar:

NM_175876.5(EXOC8):c.972G>T (p.Glu324Asp)

Gene: EXOC8 (exocyst complex component 8; minus strand). Cytogenetic location: 1q42.2.
Variant type: single nucleotide variant.
Coding change: c.972G>T on transcript NM_175876.5 (MANE Select); coding-DNA position 972, G replaced by T.
Protein change: p.Glu324Asp; replaces glutamic acid 324 with aspartic acid.
Molecular consequence: missense variant.
Genome position (GRCh38, 1-based): chr1:231,336,774, C>A on the plus strand (G>T on the coding strand, the complement: EXOC8 is on the minus strand). VCF-style: chr1-231336774-C-A. GRCh37 (hg19) VCF-style: chr1-231472520-C-A.
Other names: c.972G>T (NM_175876.3); short protein forms E324D.
Identifiers: ClinVar variation 1416766 (VCV001416766.9), dbSNP rs145329289, ClinGen allele CA1452391.

ClinVar aggregate classification (germline): Uncertain significance. Review status: criteria provided, multiple submitters, no conflicts (2 of 4 stars). 3 submissions from 3 submitters: Uncertain significance (3). Last evaluated 2024-12-03.

Allele frequency attached by ClinVar (database versions not stated): 1000 Genomes Project 30x 0.00016; 1000 Genomes Project 0.00020; TOPMed 0.00020; gnomAD 0.00021; gnomAD exomes 0.00026 and 0.00029; ExAC 0.00031; ESP Exome Variant Server 0.00031.
gnomAD v4.1: 419 of 1,614,204 alleles (0.026%); highest among the groups gnomAD compares: Middle Eastern, 0.066%; no homozygotes.

Submissions (3):

Ambry Genetics
Classification: Uncertain significance. Last evaluated: 2024-12-03. Review status: criteria provided, single submitter. Criteria: Ambry Variant Classification Scheme 2023. Collection method: clinical testing. Allele origin: germline.

Labcorp Genetics (formerly Invitae), Labcorp
Classification: Uncertain significance. Last evaluated: 2024-01-15. Review status: criteria provided, single submitter. Criteria: Invitae Variant Classification Sherloc (09022015). Collection method: clinical testing. Allele origin: germline.
Comment: This sequence change replaces glutamic acid, which is acidic and polar, with aspartic acid, which is acidic and polar, at codon 324 of the EXOC8 protein (p.Glu324Asp). This variant is present in population databases (rs145329289, gnomAD 0.04%). This variant has not been reported in the literature in individuals affected with EXOC8-related conditions. ClinVar contains an entry for this variant (Variation ID: 1416766). An algorithm developed to predict the effect of missense changes on protein structure and function (PolyPhen-2) suggests that this variant¬†is likely to be tolerated. In summary, the available evidence is currently insufficient to determine the role of this variant in disease. Therefore, it has been classified as a Variant of Uncertain Significance.

Breakthrough Genomics
Classification: Uncertain significance. Review status: criteria provided, single submitter. Criteria: ACMG Guidelines, 2015. Collection method: not provided. Allele origin: germline. Inheritance: Autosomal recessive inheritance. Affected: yes.